The following is an entry in ClinVar:

ClinVar aggregate classification (germline): Uncertain significance (1 of 4 stars; one submission).

Conditions:
Hypertrophic cardiomyopathy 1 (CMH1). Also called: Familial hypertrophic cardiomyopathy 1; MYH7-Related Familial Hypertrophic Cardiomyopathy. Identifiers: MedGen C3495498, MONDO:0008647, OMIM 192600.

Submission:

Institute of Immunology and Genetics Kaiserslautern
Classification: Uncertain significance for Hypertrophic cardiomyopathy 1. Last evaluated: 2023-10-09. Review status: criteria provided, single submitter. Criteria: ACMG Guidelines, 2015. Collection method: clinical testing. Allele origin: germline. Affected: yes.
Comment: ACMG-Criteria: PM2_P, PP3; Variant found in a heterozygous state

NM_000257.4(MYH7):c.1579C>A (p.Pro527Thr)

Gene: MYH7 (myosin heavy chain 7; minus strand). Cytogenetic location: 14q11.2.
Variant type: single nucleotide variant.
Coding change: c.1579C>A on transcript NM_000257.4 (MANE Select); coding-DNA position 1579, C replaced by A.
Protein change: p.Pro527Thr; replaces proline 527 with threonine.
Molecular consequence: missense variant.
Genome position (GRCh38, 1-based): chr14:23,427,894, G>T on the plus strand (C>A on the coding strand, the complement: MYH7 is on the minus strand). VCF-style: chr14-23427894-G-T. GRCh37 (hg19) VCF-style: chr14-23897103-G-T.
Other names: c.1579C>A, p.Pro527Thr (NM_001407004.1); short protein forms P527T.
Identifiers: ClinVar variation 3366968 (VCV003366968.1).
Genomic context (GRCh38, chr14:23,427,894, plus strand): 5'-TCATGTCGGTGGCCTTGGGGAACATGCACTCCTCTTCCAGGATGGACATGATGCCCATGG[G>T]CTGAGGAAGCAGGAGAGAGCATCACTGAGTGTCCTTCACACAGGTGGACATGGATTCTGC-3'
Protein context (NP_000248.2, residues 517-537): LQACIDLIEK[Pro527Thr]MGIMSILEEE